The following is an entry in ClinVar:

ClinVar aggregate classification (germline): Uncertain significance (1 of 4 stars; one submission).

Submission:

ARUP Laboratories, Molecular Genetics and Genomics, ARUP Laboratories
Classification: Uncertain significance. Last evaluated: 2024-10-14. Review status: criteria provided, single submitter. Criteria: ARUP Molecular Germline Variant Investigation Process 2024. Collection method: clinical testing. Allele origin: germline.
Comment: The RTEL1 c.2423T>A; p.Phe808Tyr variant, to our knowledge, is not reported in the medical literature or gene specific databases. This variant is also absent from the Genome Aggregation Database (v2.1.1), indicating it is not a common polymorphism. Computational analyses predict that this variant is neutral (REVEL: 0.068). Due to limited information, the clinical significance of this variant is uncertain at this time.

NM_001283009.2(RTEL1):c.2351T>A (p.Phe784Tyr)

Genes: RTEL1 (regulator of telomere elongation helicase 1; plus strand), RTEL1-TNFRSF6B (RTEL1-TNFRSF6B readthrough (NMD candidate); plus strand). Cytogenetic location: 20q13.33.
Variant type: single nucleotide variant.
Coding change: c.2351T>A on transcript NM_001283009.2 (MANE Select); coding-DNA position 2351, T replaced by A.
Protein change: p.Phe784Tyr; replaces phenylalanine 784 with tyrosine.
Molecular consequence: missense variant. On other transcripts: non-coding transcript variant (1).
Genome position (GRCh38, 1-based): chr20:63,690,379, T>A. VCF-style: chr20-63690379-T-A. GRCh37 (hg19) VCF-style: chr20-62321732-T-A.
Other names: c.1682T>A, p.Phe561Tyr (NM_001283010.1); c.2351T>A, p.Phe784Tyr (NM_016434.4); c.2423T>A, p.Phe808Tyr (NM_032957.5); short protein forms F561Y, F784Y, F808Y.
Identifiers: ClinVar variation 3766892 (VCV003766892.1).